The following is an entry in ClinVar:

ClinVar aggregate classification (germline): Likely benign. Review status: criteria provided, multiple submitters, no conflicts (2 of 4 stars). 2 submissions from 2 submitters: Likely benign (2). Last evaluated 2024-06-24.

Allele frequency attached by ClinVar (database versions not stated): gnomAD 0.00001; TOPMed 0.00001; ExAC 0.00004.

Submissions (2):

Labcorp Genetics (formerly Invitae), Labcorp
Classification: Likely benign. Last evaluated: 2024-06-24. Review status: criteria provided, single submitter. Criteria: Invitae Variant Classification Sherloc (09022015). Collection method: clinical testing. Allele origin: germline.

CeGaT Center for Human Genetics Tuebingen
Classification: Likely benign. Last evaluated: 2022-06-01. Review status: criteria provided, single submitter. Criteria: CeGaT Center For Human Genetics Tuebingen Variant Classification Criteria Version 2. Collection method: clinical testing. Allele origin: germline. Affected: yes. Observed: 1 variant allele.
Comment: IFITM5: BP4, BP7

NM_001025295.3(IFITM5):c.168G>A (p.Ala56=)

Gene: IFITM5 (interferon induced transmembrane protein 5; minus strand). Cytogenetic location: 11p15.5.
Variant type: single nucleotide variant.
Coding change: c.168G>A on transcript NM_001025295.3 (MANE Select); coding-DNA position 168, G replaced by A.
Protein change: p.Ala56=; no amino-acid change (alanine 56 retained).
Molecular consequence: synonymous variant.
Genome position (GRCh38, 1-based): chr11:299,323, C>T on the plus strand (G>A on the coding strand, the complement: IFITM5 is on the minus strand). VCF-style: chr11-299323-C-T. GRCh37 (hg19) VCF-style: chr11-299323-C-T.
Identifiers: ClinVar variation 2641038 (VCV002641038.27), dbSNP rs780500344, ClinGen allele CA5773472.
Genomic context (GRCh38, chr11:299,323, plus strand): 5'-TAGTGGAGCCTCCCCCGCAACCTCGGTAGGGCCCCTGCCCACCTTGATGGAGTAGGCCAG[C>T]GCCAGGAAGCCGAGGCAACACAGATTCAGGTAGAGGGTGCTGAACACCGACCAGATCAAG-3'
Protein context (NP_001020466.1, residues 46-66): YLNLCCLGFL[Ala56=]LAYSIKARDQ